The following is an entry in ClinVar:

ClinVar aggregate classification (germline): Likely benign (1 of 4 stars; one submission).

Allele frequency attached by ClinVar (database versions not stated): gnomAD exomes below 0.00001; TOPMed below 0.00001; gnomAD 0.00001.
gnomAD v4.1: 3 of 1,613,918 alleles (0.00019%); highest among the groups gnomAD compares: African/African-American, 0.004%; no homozygotes.

Submission:

GeneDx
Classification: Likely benign. Last evaluated: 2017-08-17. Review status: criteria provided, single submitter. Criteria: GeneDx Variant Classification (06012015). Collection method: clinical testing. Allele origin: germline. Affected: yes.
Comment: This variant is considered likely benign or benign based on one or more of the following criteria: it is a conservative change, it occurs at a poorly conserved position in the protein, it is predicted to be benign by multiple in silico algorithms, and/or has population frequency not consistent with disease.

NM_004369.4(COL6A3):c.3903G>A (p.Arg1301=)

Gene: COL6A3 (collagen type VI alpha 3 chain; minus strand). Cytogenetic location: 2q37.3.
Variant type: single nucleotide variant.
Coding change: c.3903G>A on transcript NM_004369.4 (MANE Select); coding-DNA position 3903, G replaced by A.
Protein change: p.Arg1301=; no amino-acid change (arginine 1301 retained).
Molecular consequence: synonymous variant.
Genome position (GRCh38, 1-based): chr2:237,372,114, C>T on the plus strand (G>A on the coding strand, the complement: COL6A3 is on the minus strand). VCF-style: chr2-237372114-C-T. GRCh37 (hg19) VCF-style: chr2-238280757-C-T.
Other names: c.2682G>A, p.Arg894= (NM_057164.5); c.3285G>A, p.Arg1095= (NM_057165.5, NM_057167.4); c.2082G>A, p.Arg694= (NM_057166.5).
Identifiers: ClinVar variation 511435 (VCV000511435.1), dbSNP rs1407770118, ClinGen allele CA431711449.
Genomic context (GRCh38, chr2:237,372,114, plus strand): 5'-CCTGGACACGTACTCCAGGGCATTGCCCACGTTGATCTGCCGCCCTCCCTTGGGCCTCAG[C>T]CGCTGCACCGCGTTCTGCACTTCATCCTTGCTGGAATGGGCGTTCAGCAGGAACTCCACC-3'
Protein context (NP_004360.2, residues 1291-1311): SKDEVQNAVQ[Arg1301=]LRPKGGRQIN